The following is an entry in ClinVar:

ClinVar aggregate classification (germline): Uncertain significance (1 of 4 stars; one submission).

Conditions:
Shwachman-Diamond syndrome 1 (SDS1). Also called: LIPOMATOSIS OF PANCREAS, CONGENITAL. Identifiers: MedGen C4692625, MONDO:0044204, OMIM 260400.

gnomAD v4.1: 7 of 1,613,930 alleles (0.00043%); highest among the groups gnomAD compares: Non-Finnish European, 0.00017%; no homozygotes.

Submission:

3billion
Classification: Uncertain significance for Shwachman-Diamond syndrome 1. Last evaluated: 2024-09-23. Review status: criteria provided, single submitter. Criteria: ACMG Guidelines, 2015. Collection method: clinical testing. Allele origin: germline. Affected: yes.
Comment: The variant is observed at an extremely low frequency in the gnomAD v4.0.0 dataset (total allele frequency: <0.001%). Predicted Consequence/Location: Missense variant. In silico tool predictions suggest damaging effect of the variant on gene or gene product [REVEL: 0.87 (>=0.6, sensitivity 0.68 and specificity 0.92)]. Therefore, this variant is classified as VUS according to the recommendation of ACMG/AMP guideline.

NM_016038.4(SBDS):c.27G>T (p.Gln9His)

Gene: SBDS (SBDS ribosome maturation factor; minus strand). Cytogenetic location: 7q11.21.
Variant type: single nucleotide variant.
Coding change: c.27G>T on transcript NM_016038.4 (MANE Select); coding-DNA position 27, G replaced by T.
Protein change: p.Gln9His; replaces glutamine 9 with histidine.
Molecular consequence: missense variant.
Genome position (GRCh38, 1-based): chr7:66,995,391, C>A on the plus strand (G>T on the coding strand, the complement: SBDS is on the minus strand). VCF-style: chr7-66995391-C-A. GRCh37 (hg19) VCF-style: chr7-66460378-C-A.
Other names: short protein forms Q9H.
Identifiers: ClinVar variation 4293388 (VCV004293388.1).